The following is an entry in ClinVar:

ClinVar aggregate classification (germline): Likely benign. Review status: criteria provided, multiple submitters, no conflicts (2 of 4 stars). 2 submissions from 2 submitters: Likely benign (2). Last evaluated 2025-09-12.

Conditions:
OTOGL-related disorder. Also called: OTOGL-related condition.

gnomAD v4.1: 16 of 1,597,888 alleles (0.001%); highest among the groups gnomAD compares: Middle Eastern, 0.082%; no homozygotes.

Submissions (2):

PreventionGenetics, part of Exact Sciences
Classification: Likely benign for OTOGL-related condition. Last evaluated: 2025-09-12. Review status: criteria provided, single submitter. Criteria: ACMG Guidelines, 2015. Collection method: clinical testing. Allele origin: germline.
Comment: This variant is classified as likely benign based on ACMG/AMP sequence variant interpretation guidelines (Richards et al. 2015 PMID: 25741868, with internal and published modifications).

Labcorp Genetics (formerly Invitae), Labcorp
Classification: Likely benign. Last evaluated: 2024-10-30. Review status: criteria provided, single submitter. Criteria: Invitae Variant Classification Sherloc (09022015). Collection method: clinical testing. Allele origin: germline.

NM_001378609.3(OTOGL):c.453G>A (p.Lys151=)

Gene: OTOGL (otogelin like; plus strand). Cytogenetic location: 12q21.31.
Variant type: single nucleotide variant.
Coding change: c.453G>A on transcript NM_001378609.3 (MANE Select); coding-DNA position 453, G replaced by A.
Protein change: p.Lys151=; no amino-acid change (lysine 151 retained).
Molecular consequence: synonymous variant.
Genome position (GRCh38, 1-based): chr12:80,222,209, G>A. VCF-style: chr12-80222209-G-A. GRCh37 (hg19) VCF-style: chr12-80615989-G-A.
Other names: c.453G>A, p.Lys151= (NM_001368062.3, NM_001378610.3, NM_173591.7); c.426G>A (NM_173591.3).
Identifiers: ClinVar variation 3618597 (VCV003618597.3).